The following is an entry in ClinVar:

NM_000465.4(BARD1):c.158+2_158+10del

Gene: BARD1 (BRCA1 associated RING domain 1; minus strand). Cytogenetic location: 2q35.
Variant type: Deletion.
Coding change: c.158+2_158+10del on transcript NM_000465.4 (MANE Select); the canonical splice donor site of the intron after coding-DNA position 158 through 10 bases into the intron after coding-DNA position 158, 9 bases deleted (TAAAGACGG; older notation c.158+2_158+10delTAAAGACGG).
Molecular consequence: splice donor variant.
Genome position (GRCh38, 1-based): chr2:214,809,402-214,809,410, CCGTCTTTA deleted on the plus strand (TAAAGACGG on the coding strand, the reverse complement: BARD1 is on the minus strand); deleting any 9 consecutive bases within chr2:214,809,402-214,809,412 gives the same sequence; the c. name uses the placement nearest the transcript's 3' end. VCF-style (leftmost placement, unchanged base first): chr2-214809401-TCCGTCTTTA-T. GRCh37 (hg19) VCF-style: chr2-215674125-TCCGTCTTTA-T.
Other names: c.158+2_158+10delTAAAGACGG (NM_000465.2); c.158+2_158+10del (NM_001282548.2, NM_001282543.2, NM_001282545.2 and 1 more transcripts).
Identifiers: ClinVar variation 2583626 (VCV002583626.3), dbSNP rs2469637148, ClinGen allele CA2582342122.

ClinVar aggregate classification (germline): Likely pathogenic. Review status: criteria provided, multiple submitters, no conflicts (2 of 4 stars). 2 submissions from 2 submitters: Likely pathogenic (2). Last evaluated 2023-09-21.

Conditions:
Hereditary cancer-predisposing syndrome. Also called: Tumor predisposition; Hereditary neoplastic syndrome; Neoplastic Syndromes, Hereditary; Hereditary Cancer Syndrome. Identifiers: Orphanet 140162, MedGen C0027672, MeSH D009386, MONDO:0015356.
Familial cancer of breast. Also called: Hereditary breast cancer; BREAST CANCER, FAMILIAL; hereditary breast carcinoma. Identifiers: Orphanet 227535, MedGen C0346153, MONDO:0016419, OMIM 114480. Disease mechanism: loss of function.

Submissions (2):

Ambry Genetics
Classification: Likely pathogenic for Hereditary cancer-predisposing syndrome. Last evaluated: 2023-09-21. Review status: criteria provided, single submitter. Criteria: Ambry Variant Classification Scheme 2023. Collection method: clinical testing. Allele origin: germline.
Comment: The c.158+2_158+10delTAAAGACGG intronic variant, located in intron 1 of the BARD1 gene, results from a deletion of 9 nucleotides within intron 1 of the BARD1 gene. This nucleotide position is well conserved in available vertebrate species. In silico splice site analysis predicts that this alteration will weaken the native splice donor site; however, direct evidence is insufficient at this time (Ambry internal data). Alterations that disrupt the canonical splice site are expected to cause aberrant splicing, resulting in an abnormal protein or a transcript that is subject to nonsense-mediated mRNA decay. As such, this alteration is classified as likely pathogenic.

Myriad Genetics, Inc.
Classification: Likely pathogenic for Familial cancer of breast. Last evaluated: 2023-05-18. Review status: criteria provided, single submitter. Criteria: Myriad Autosomal Dominant, Autosomal Recessive and X-Linked Classification Criteria (2023). Collection method: clinical testing. Allele origin: unknown.
Comment: This variant is considered likely pathogenic. This variant occurs within a consensus splice junction and is predicted to result in abnormal mRNA splicing of either an out-of-frame exon or an in-frame exon necessary for protein stability and/or normal function.